The following is an entry in ClinVar:

NM_173660.5(DOK7):c.1160C>A (p.Thr387Asn)

Gene: DOK7 (docking protein 7; plus strand). Cytogenetic location: 4p16.3.
Variant type: single nucleotide variant.
Coding change: c.1160C>A on transcript NM_173660.5 (MANE Select); coding-DNA position 1160, C replaced by A.
Protein change: p.Thr387Asn; replaces threonine 387 with asparagine.
Molecular consequence: missense variant. On other transcripts: 3 prime UTR variant (1).
Genome position (GRCh38, 1-based): chr4:3,493,146, C>A. VCF-style: chr4-3493146-C-A. GRCh37 (hg19) VCF-style: chr4-3494873-C-A.
Other names: c.*381C>A (NM_001164673.2); c.230C>A, p.Thr77Asn (NM_001256896.2); c.1160C>A, p.Thr387Asn (NM_001301071.2); c.728C>A, p.Thr243Asn (NM_001363811.2); short protein forms T77N, T387N, T243N.
Identifiers: ClinVar variation 4783530 (VCV004783530.1).

ClinVar aggregate classification (germline): Uncertain significance (1 of 4 stars; one submission).

Conditions:
Fetal akinesia deformation sequence 1 (FADS1). Also called: Fetal akinesia sequence; Pena-Shokeir syndrome type I. Identifiers: Orphanet 994, MedGen C1276035, MONDO:0100101, OMIM 208150, HP:0001989.
Congenital myasthenic syndrome 10. Also called: Myasthenia, limb-girdle, familial. Identifiers: Orphanet 590, MedGen C1850792, MONDO:0009690, OMIM 254300.

Submission:

Labcorp Genetics (formerly Invitae), Labcorp
Classification: Uncertain significance for Congenital myasthenic syndrome 10; Fetal akinesia deformation sequence 1. Last evaluated: 2026-02-01. Review status: criteria provided, single submitter. Criteria: Invitae Variant Classification Sherloc (09022015). Collection method: clinical testing. Allele origin: germline.
Comment: This sequence change replaces threonine, which is neutral and polar, with asparagine, which is neutral and polar, at codon 387 of the DOK7 protein (p.Thr387Asn). This variant is not present in population databases (gnomAD no frequency). This variant has not been reported in the literature in individuals affected with DOK7-related conditions. Invitae Evidence Modeling of protein sequence and biophysical properties (such as structural, functional, and spatial information, amino acid conservation, physicochemical variation, residue mobility, and thermodynamic stability) indicates that this missense variant is not expected to disrupt DOK7 protein function with a negative predictive value of 80%. In summary, the available evidence is currently insufficient to determine the role of this variant in disease. Therefore, it has been classified as a Variant of Uncertain Significance.